The following is an entry in ClinVar:

ClinVar aggregate classification (germline): Pathogenic (1 of 4 stars; one submission).

Submission:

Labcorp Genetics (formerly Invitae), Labcorp
Classification: Pathogenic. Last evaluated: 2021-03-10. Review status: criteria provided, single submitter. Criteria: Invitae Variant Classification Sherloc (09022015). Collection method: clinical testing. Allele origin: germline.
Comment: This sequence change creates a premature translational stop signal (p.Val1129Serfs*34) in the EYS gene. It is expected to result in an absent or disrupted protein product. Loss-of-function variants in EYS are known to be pathogenic (PMID: 18836446, 20333770). This variant is not present in population databases (ExAC no frequency). This variant has not been reported in the literature in individuals with EYS-related conditions. For these reasons, this variant has been classified as Pathogenic.

Literature cited by the submitters: PubMed 18836446; PubMed 20333770.

NM_001142800.2(EYS):c.3385del (p.Val1129fs)

Gene: EYS (EGF-like photoreceptor maintenance factor; minus strand). Cytogenetic location: 6q12.
Variant type: Deletion.
Coding change: c.3385del on transcript NM_001142800.2 (MANE Select); coding-DNA position 3385, one base deleted (G; older notation c.3385delG).
Protein change: p.Val1129fs; shifts the reading frame from valine 1129.
Molecular consequence: frameshift variant.
Genome position (GRCh38, 1-based): chr6:64,813,436, C deleted on the plus strand (G on the coding strand, the reverse complement: EYS is on the minus strand). VCF-style (leftmost placement, unchanged base first): chr6-64813435-AC-A. GRCh37 (hg19) VCF-style: chr6-65523328-AC-A.
Other names: c.3385del, p.Val1129fs (NM_001292009.2); short protein forms V1129fs.
Identifiers: ClinVar variation 1415679 (VCV001415679.6), dbSNP rs2150016133, ClinGen allele CA2573141017.
Genomic context (GRCh38, chr6:64,813,435, plus strand): 5'-GACCTGCAGTCAAAAGTATGTCCAGGCCCATCAACACAGATCCCTCCATTAAGACAGATG[AC>A]TGAATTAAGTTCAGGCTCAGCACAATTATCAATGCTTTTTTCACAGTATGCACCAGTGTA-3'